The following is an entry in ClinVar:

ClinVar aggregate classification (germline): Uncertain significance (1 of 4 stars; one submission).

Submission:

Labcorp Genetics (formerly Invitae), Labcorp
Classification: Uncertain significance. Last evaluated: 2024-08-29. Review status: criteria provided, single submitter. Criteria: Invitae Variant Classification Sherloc (09022015). Collection method: clinical testing. Allele origin: germline.
Comment: This sequence change replaces glutamic acid, which is acidic and polar, with lysine, which is basic and polar, at codon 461 of the DENND5A protein (p.Glu461Lys). This variant is present in population databases (rs754943223, gnomAD 0.006%). This variant has not been reported in the literature in individuals affected with DENND5A-related conditions. Invitae Evidence Modeling of protein sequence and biophysical properties (such as structural, functional, and spatial information, amino acid conservation, physicochemical variation, residue mobility, and thermodynamic stability) indicates that this missense variant is not expected to disrupt DENND5A protein function with a negative predictive value of 80%. In summary, the available evidence is currently insufficient to determine the role of this variant in disease. Therefore, it has been classified as a Variant of Uncertain Significance.

NM_015213.4(DENND5A):c.1381G>A (p.Glu461Lys)

Gene: DENND5A (DENN domain containing 5A; minus strand). Cytogenetic location: 11p15.4.
Variant type: single nucleotide variant.
Coding change: c.1381G>A on transcript NM_015213.4 (MANE Select); coding-DNA position 1381, G replaced by A.
Protein change: p.Glu461Lys; replaces glutamic acid 461 with lysine.
Molecular consequence: missense variant. On other transcripts: non-coding transcript variant (1).
Genome position (GRCh38, 1-based): chr11:9,180,841, C>T on the plus strand (G>A on the coding strand, the complement: DENND5A is on the minus strand). VCF-style: chr11-9180841-C-T. GRCh37 (hg19) VCF-style: chr11-9202388-C-T.
Other names: c.1381G>A, p.Glu461Lys (NM_001243254.2); c.1309G>A, p.Glu437Lys (NM_001348749.2); c.1093G>A, p.Glu365Lys (NM_001348750.2); short protein forms E461K, E365K, E437K.
Identifiers: ClinVar variation 3713715 (VCV003713715.2).
Genomic context (GRCh38, chr11:9,180,841, plus strand): 5'-CCCCAGTTCTCTTGACCAAGGCTTGCAGCCGGGCAATAGTTTCATTCTCCTTAAGAAGCT[C>T]GTAGGAATGCAAAGGGGAGCCAGCAATGTTCCCATTCCTCTTGTCCGAGACAAGCTCAGA-3'
Protein context (NP_056028.2, residues 451-471): NIAGSPLHSY[Glu461Lys]LLKENETIAR